The following is an entry in ClinVar:

ClinVar aggregate classification (germline): Conflicting classifications of pathogenicity. Review status: criteria provided, conflicting classifications (1 of 4 stars). 5 submissions from 4 submitters: Uncertain significance (2); Likely benign (3). Last evaluated 2025-05-13.

Conditions:
Autosomal recessive ataxia, Beauce type. Also called: Spinocerebellar ataxia, autosomal recessive 8; ATAXIA, RECESSIVE, OF BEAUCE; SYNE1 Deficiency; SYNE1-Related Autosomal Recessive Cerebellar Ataxia. Identifiers: Orphanet 88644, MedGen C1853116, MONDO:0012549, OMIM 610743.
Emery-Dreifuss muscular dystrophy 4, autosomal dominant (EDMD4). Also called: EMERY-DREIFUSS MUSCULAR DYSTROPHY 4 WITH VARIABLE FEATURES. Identifiers: Orphanet 261, MedGen C2751807, MONDO:0013071, OMIM 612998.

Allele frequency attached by ClinVar (database versions not stated): gnomAD exomes 0.00008 and 0.00002; gnomAD 0.00009 and 0.00008; ExAC 0.00002; TOPMed 0.00010.
gnomAD v4.1: 127 of 1,614,014 alleles (0.0079%); highest among the groups gnomAD compares: African/African-American, 0.017%; no homozygotes.

Submissions (5):

Labcorp Genetics (formerly Invitae), Labcorp
Classification: Likely benign for Emery-Dreifuss muscular dystrophy 4, autosomal dominant; Autosomal recessive ataxia, Beauce type. Last evaluated: 2025-05-13. Review status: criteria provided, single submitter. Criteria: Invitae Variant Classification Sherloc (09022015). Collection method: clinical testing. Allele origin: germline.

Athena Diagnostics
Classification: Likely benign. Last evaluated: 2025-01-22. Review status: criteria provided, single submitter. Criteria: Athena Diagnostics Criteria. Collection method: clinical testing. Allele origin: unknown.
Comment: Computational tools yielded predictions that this variant is unlikely to have an effect on normal RNA splicing. This nucleotide position exhibits low evolutionary conservation.

Illumina Laboratory Services, Illumina
Classification: Uncertain significance for Autosomal recessive ataxia, Beauce type. Last evaluated: 2018-01-13. Review status: criteria provided, single submitter. Criteria: ICSL Variant Classification Criteria 13 December 2019. Collection method: clinical testing. Allele origin: germline.

Illumina Laboratory Services, Illumina
Classification: Likely benign for Emery-Dreifuss muscular dystrophy 4, autosomal dominant. Last evaluated: 2018-01-13. Review status: criteria provided, single submitter. Criteria: ICSL Variant Classification Criteria 13 December 2019. Collection method: clinical testing. Allele origin: germline.
Comment: This variant was observed in the ICSL laboratory as part of a predisposition screen in an ostensibly healthy population. It had not been previously curated by ICSL or reported in the Human Gene Mutation Database (HGMD: prior to June 1st, 2018), and was therefore a candidate for classification through an automated scoring system. Utilizing variant allele frequency, disease prevalence and penetrance estimates, and inheritance mode, an automated score was calculated to assess if this variant is too frequent to cause the disease. Based on the score and internal cut-off values, a variant classified as likely benign is not then subjected to further curation. The score for this variant resulted in a classification of likely benign for this disease.

Eurofins Ntd Llc (ga)
Classification: Uncertain significance. Last evaluated: 2016-02-02. Review status: criteria provided, single submitter. Criteria: EGL Classification Definitions 2015. Collection method: clinical testing. Allele origin: germline. Observed: 1 variant allele, 1 heterozygote.

NM_182961.4(SYNE1):c.24977-5C>T

Gene: SYNE1 (spectrin repeat containing nuclear envelope protein 1; minus strand). Cytogenetic location: 6q25.2.
Variant type: single nucleotide variant.
Coding change: c.24977-5C>T on transcript NM_182961.4 (MANE Select); 5 bases into the intron before coding-DNA position 24977, C replaced by T.
Molecular consequence: intron variant.
Genome position (GRCh38, 1-based): chr6:152,143,770, G>A on the plus strand (C>T on the coding strand, the complement: SYNE1 is on the minus strand). VCF-style: chr6-152143770-G-A. GRCh37 (hg19) VCF-style: chr6-152464905-G-A.
Other names: c.24833-5C>T (NM_033071.5); c.1583-5C>T (NM_001347701.2); c.1511-5C>T (NM_001347702.2); c.24977-5C>T (NM_182961.2).
Identifiers: ClinVar variation 285706 (VCV000285706.17), dbSNP rs767722883, ClinGen allele CA4052985.